The following is an entry in ClinVar:

NM_001130144.3(LTBP3):c.2095C>T (p.Pro699Ser)

Gene: LTBP3 (latent transforming growth factor beta binding protein 3; minus strand). Cytogenetic location: 11q13.1.
Variant type: single nucleotide variant.
Coding change: c.2095C>T on transcript NM_001130144.3 (MANE Select); coding-DNA position 2095, C replaced by T.
Protein change: p.Pro699Ser; replaces proline 699 with serine.
Molecular consequence: missense variant.
Genome position (GRCh38, 1-based): chr11:65,547,451, G>A on the plus strand (C>T on the coding strand, the complement: LTBP3 is on the minus strand). VCF-style: chr11-65547451-G-A. GRCh37 (hg19) VCF-style: chr11-65314922-G-A.
Other names: c.1744C>T, p.Pro582Ser (NM_001164266.1); c.2095C>T, p.Pro699Ser (NM_021070.4); short protein forms P582S, P699S.
Identifiers: ClinVar variation 3650367 (VCV003650367.2).

ClinVar aggregate classification (germline): Uncertain significance (1 of 4 stars; one submission).

Conditions:
Brachyolmia-amelogenesis imperfecta syndrome. Also called: PLATYSPONDYLY WITH AMELOGENESIS IMPERFECTA; Tooth agenesis, selective, 6; Dental anomalies and short stature. Identifiers: Orphanet 2899, MedGen C1832594, MONDO:0011018, OMIM 601216. Disease mechanism: loss of function.

Submission:

Labcorp Genetics (formerly Invitae), Labcorp
Classification: Uncertain significance for Brachyolmia-amelogenesis imperfecta syndrome. Last evaluated: 2025-05-04. Review status: criteria provided, single submitter. Criteria: Invitae Variant Classification Sherloc (09022015). Collection method: clinical testing. Allele origin: germline.
Comment: This sequence change replaces proline, which is neutral and non-polar, with serine, which is neutral and polar, at codon 699 of the LTBP3 protein (p.Pro699Ser). This variant is not present in population databases (gnomAD no frequency). This variant has not been reported in the literature in individuals affected with LTBP3-related conditions. ClinVar contains an entry for this variant (Variation ID: 3650367). An algorithm developed to predict the effect of missense changes on protein structure and function (PolyPhen-2) suggests that this variant is likely to be tolerated. In summary, the available evidence is currently insufficient to determine the role of this variant in disease. Therefore, it has been classified as a Variant of Uncertain Significance.